The following is an entry in ClinVar:

NM_000548.5(TSC2):c.94G>A (p.Glu32Lys)

Gene: TSC2 (TSC complex subunit 2; plus strand). Cytogenetic location: 16p13.3.
Variant type: single nucleotide variant.
Coding change: c.94G>A on transcript NM_000548.5 (MANE Select); coding-DNA position 94, G replaced by A.
Protein change: p.Glu32Lys; replaces glutamic acid 32 with lysine.
Molecular consequence: missense variant. On other transcripts: 5 prime UTR variant (1), intron variant (1).
Genome position (GRCh38, 1-based): chr16:2,048,709, G>A. VCF-style: chr16-2048709-G-A. GRCh37 (hg19) VCF-style: chr16-2098710-G-A.
Other names: c.94G>A, p.Glu32Lys (NM_001077183.3, NM_001114382.3, NM_001318827.2 and 4 more transcripts); c.-133G>A (NM_001318831.2); c.127G>A, p.Glu43Lys (NM_001318832.2); c.-10+644G>A (NM_001318829.2); short protein forms E32K, E43K.
Identifiers: ClinVar variation 971297 (VCV000971297.13), dbSNP rs2084679567, ClinGen allele CA394301415.

ClinVar aggregate classification (germline): Uncertain significance. Review status: criteria provided, multiple submitters, no conflicts (2 of 4 stars). 2 submissions from 2 submitters: Uncertain significance (2). Last evaluated 2025-09-12.

Conditions:
Tuberous sclerosis 2 (TSC2). Identifiers: Orphanet 805, MedGen C1860707, MONDO:0013199, OMIM 613254.
Hereditary cancer-predisposing syndrome. Also called: Hereditary neoplastic syndrome; Hereditary Cancer Syndrome; Tumor predisposition; Neoplastic Syndromes, Hereditary. Identifiers: Orphanet 140162, MedGen C0027672, MeSH D009386, MONDO:0015356.

Submissions (2):

Ambry Genetics
Classification: Uncertain significance for Hereditary cancer-predisposing syndrome. Last evaluated: 2025-09-12. Review status: criteria provided, single submitter. Criteria: Ambry Variant Classification Scheme 2023. Collection method: clinical testing. Allele origin: germline.
Comment: The p.E32K variant (also known as c.94G>A), located in coding exon 1 of the TSC2 gene, results from a G to A substitution at nucleotide position 94. The glutamic acid at codon 32 is replaced by lysine, an amino acid with similar properties. This amino acid position is well conserved in available vertebrate species. In addition, this alteration is predicted to be deleterious by in silico analysis. Based on the available evidence, the clinical significance of this variant remains unclear.

Labcorp Genetics (formerly Invitae), Labcorp
Classification: Uncertain significance for Tuberous sclerosis 2. Last evaluated: 2025-07-24. Review status: criteria provided, single submitter. Criteria: Invitae Variant Classification Sherloc (09022015). Collection method: clinical testing. Allele origin: germline.
Comment: This sequence change replaces glutamic acid, which is acidic and polar, with lysine, which is basic and polar, at codon 32 of the TSC2 protein (p.Glu32Lys). This variant is not present in population databases (gnomAD no frequency). This variant has not been reported in the literature in individuals affected with TSC2-related conditions. ClinVar contains an entry for this variant (Variation ID: 971297). Invitae Evidence Modeling of protein sequence and biophysical properties (such as structural, functional, and spatial information, amino acid conservation, physicochemical variation, residue mobility, and thermodynamic stability) indicates that this missense variant is not expected to disrupt TSC2 protein function with a negative predictive value of 95%. In summary, the available evidence is currently insufficient to determine the role of this variant in disease. Therefore, it has been classified as a Variant of Uncertain Significance.